The following is an entry in ClinVar:

ClinVar aggregate classification (germline): Uncertain significance (1 of 4 stars; one submission).

Conditions:
Charcot-Marie-Tooth disease type 2. Also called: Charcot-Marie-Tooth type 2. Identifiers: Orphanet 64746, MedGen C0270914, MONDO:0018993.

Allele frequency attached by ClinVar (database versions not stated): gnomAD 0.00001; gnomAD exomes below 0.00001.

Submission:

Labcorp Genetics (formerly Invitae), Labcorp
Classification: Uncertain significance for Charcot-Marie-Tooth disease type 2. Last evaluated: 2025-03-24. Review status: criteria provided, single submitter. Criteria: Invitae Variant Classification Sherloc (09022015). Collection method: clinical testing. Allele origin: germline.
Comment: This sequence change replaces alanine, which is neutral and non-polar, with glutamic acid, which is acidic and polar, at codon 65 of the GARS protein (p.Ala65Glu). The frequency data for this variant in the population databases is considered unreliable, as metrics indicate poor data quality at this position in the gnomAD database. This missense change has been observed in individual(s) with clinical features of Charcot-Marie-Tooth disease (PMID: 32376792). ClinVar contains an entry for this variant (Variation ID: 2048473). Invitae Evidence Modeling of protein sequence and biophysical properties (such as structural, functional, and spatial information, amino acid conservation, physicochemical variation, residue mobility, and thermodynamic stability) indicates that this missense variant is not expected to disrupt GARS protein function with a negative predictive value of 95%. In summary, the available evidence is currently insufficient to determine the role of this variant in disease. Therefore, it has been classified as a Variant of Uncertain Significance.

Literature cited by the submitters: PubMed 32376792.

NM_002047.4(GARS1):c.194C>A (p.Ala65Glu)

Gene: GARS1 (glycyl-tRNA synthetase 1; plus strand). Cytogenetic location: 7p14.3.
Variant type: single nucleotide variant.
Coding change: c.194C>A on transcript NM_002047.4 (MANE Select); coding-DNA position 194, C replaced by A.
Protein change: p.Ala65Glu; replaces alanine 65 with glutamic acid.
Molecular consequence: missense variant.
Genome position (GRCh38, 1-based): chr7:30,595,115, C>A. VCF-style: chr7-30595115-C-A. GRCh37 (hg19) VCF-style: chr7-30634731-C-A.
Other names: c.32C>A, p.Ala11Glu (NM_001316772.1); short protein forms A11E, A65E.
Identifiers: ClinVar variation 2048473 (VCV002048473.4), dbSNP rs1179352387, ClinGen allele CA367138728.
Genomic context (GRCh38, chr7:30,595,115, plus strand): 5'-CCTTGCCCGCCGCCGCCTCCCGGAGCAGCATGGACGGCGCGGGGGCTGAGGAGGTGCTGG[C>A]ACCTCTGAGGCTAGCAGTGCGCCAGCAGGTACCGGTGTTTTGCGCTCTCCGCTAAGCCTC-3'
Protein context (NP_002038.2, residues 55-75): MDGAGAEEVL[Ala65Glu]PLRLAVRQQG